The following is an entry in ClinVar:

ClinVar aggregate classification (germline): Uncertain significance (1 of 4 stars; one submission).

Conditions:
RYR1-related disorder. Also called: RYR1-related condition; RYR1-related disorders. Identifiers: MedGen CN239331.

Submission:

Labcorp Genetics (formerly Invitae), Labcorp
Classification: Uncertain significance for RYR1-related disorder. Last evaluated: 2025-03-24. Review status: criteria provided, single submitter. Criteria: Invitae Variant Classification Sherloc (09022015). Collection method: clinical testing. Allele origin: germline.
Comment: This sequence change replaces leucine, which is neutral and non-polar, with arginine, which is basic and polar, at codon 470 of the RYR1 protein (p.Leu470Arg). This variant is not present in population databases (gnomAD no frequency). This variant has not been reported in the literature in individuals affected with RYR1-related conditions. Invitae Evidence Modeling of protein sequence and biophysical properties (such as structural, functional, and spatial information, amino acid conservation, physicochemical variation, residue mobility, and thermodynamic stability) indicates that this missense variant is expected to disrupt RYR1 protein function with a positive predictive value of 95%. In summary, the available evidence is currently insufficient to determine the role of this variant in disease. Therefore, it has been classified as a Variant of Uncertain Significance.

NM_000540.3(RYR1):c.1409T>G (p.Leu470Arg)

Gene: RYR1 (ryanodine receptor 1; plus strand). Cytogenetic location: 19q13.2.
Variant type: single nucleotide variant.
Coding change: c.1409T>G on transcript NM_000540.3 (MANE Select); coding-DNA position 1409, T replaced by G.
Protein change: p.Leu470Arg; replaces leucine 470 with arginine.
Molecular consequence: missense variant.
Genome position (GRCh38, 1-based): chr19:38,452,983, T>G. VCF-style: chr19-38452983-T-G. GRCh37 (hg19) VCF-style: chr19-38943623-T-G.
Other names: c.1409T>G, p.Leu470Arg (NM_001042723.2); short protein forms L470R.
Identifiers: ClinVar variation 4778336 (VCV004778336.1).